The following is an entry in ClinVar:

NM_032119.4(ADGRV1):c.18519G>T (p.Gly6173=)

Gene: ADGRV1 (adhesion G protein-coupled receptor V1; plus strand). Cytogenetic location: 5q14.3.
Variant type: single nucleotide variant.
Coding change: c.18519G>T on transcript NM_032119.4 (MANE Select); coding-DNA position 18519, G replaced by T.
Protein change: p.Gly6173=; no amino-acid change (glycine 6173 retained).
Molecular consequence: synonymous variant. On other transcripts: non-coding transcript variant (1).
Genome position (GRCh38, 1-based): chr5:91,150,116, G>T. VCF-style: chr5-91150116-G-T. GRCh37 (hg19) VCF-style: chr5-90445933-G-T.
Identifiers: ClinVar variation 505692 (VCV000505692.17), dbSNP rs752223599, ClinGen allele CA3342672.

ClinVar aggregate classification (germline): Conflicting classifications of pathogenicity. Review status: criteria provided, conflicting classifications (1 of 4 stars). 4 submissions from 4 submitters: Uncertain significance (1); Likely benign (3). Last evaluated 2026-01-19.

Conditions:
Usher syndrome type 2C. Also called: Usher syndrome, type 2B; USHER SYNDROME, TYPE IIC. Identifiers: Orphanet 231178, Orphanet 886, MedGen C2931213, MONDO:0011558, OMIM 605472.

Allele frequency attached by ClinVar (database versions not stated): gnomAD 0.00003 and 0.00004; TOPMed 0.00003.
gnomAD v4.1: 35 of 1,582,630 alleles (0.0022%); highest among the groups gnomAD compares: Non-Finnish European, 0.0027%; no homozygotes.

Submissions (4):

Labcorp Genetics (formerly Invitae), Labcorp
Classification: Likely benign. Last evaluated: 2026-01-19. Review status: criteria provided, single submitter. Criteria: Invitae Variant Classification Sherloc (09022015). Collection method: clinical testing. Allele origin: germline.

Blueprint Genetics
Classification: Likely benign. Last evaluated: 2024-11-22. Review status: criteria provided, single submitter. Criteria: ACMG Guidelines, 2015. Collection method: clinical testing. Allele origin: germline.

Illumina Laboratory Services, Illumina
Classification: Uncertain significance for Usher syndrome type 2C. Last evaluated: 2018-01-12. Review status: criteria provided, single submitter. Criteria: ICSL Variant Classification Criteria 13 December 2019. Collection method: clinical testing. Allele origin: germline.

Laboratory for Molecular Medicine, Mass General Brigham Personalized Medicine
Classification: Likely benign. Last evaluated: 2017-02-16. Review status: criteria provided, single submitter. Criteria: LMM Criteria. Collection method: clinical testing. Allele origin: germline. Observed: 1 variant allele.
Comment: p.Gly6173Gly in exon 88 of GPR98: This variant is not expected to have clinical significance because it does not alter an amino acid residue and it is not loca ted within the splice consensus sequence. It has been identified in 1/17430 Eu ropean chromosomes by the Exome Aggregation Consortium (ExAC).